The following is an entry in ClinVar:

ClinVar aggregate classification (germline): Uncertain significance (1 of 4 stars; one submission).

Allele frequency attached by ClinVar (database versions not stated): gnomAD 0.00001.
gnomAD v4.1: 2 of 1,610,092 alleles (0.00012%); highest among the groups gnomAD compares: African/African-American, 0.0027%; no homozygotes.

Submission:

Labcorp Genetics (formerly Invitae), Labcorp
Classification: Uncertain significance. Last evaluated: 2025-09-02. Review status: criteria provided, single submitter. Criteria: Invitae Variant Classification Sherloc (09022015). Collection method: clinical testing. Allele origin: germline.
Comment: This sequence change replaces proline, which is neutral and non-polar, with serine, which is neutral and polar, at codon 760 of the CLTC protein (p.Pro760Ser). This variant is present in population databases (no rsID available, gnomAD 0.01%). This variant has not been reported in the literature in individuals affected with CLTC-related conditions. ClinVar contains an entry for this variant (Variation ID: 1464916). Invitae Evidence Modeling of protein sequence and biophysical properties (such as structural, functional, and spatial information, amino acid conservation, physicochemical variation, residue mobility, and thermodynamic stability) has been performed for this missense variant. However, the output from this modeling did not meet the statistical confidence thresholds required to predict the impact of this variant on CLTC protein function. In summary, the available evidence is currently insufficient to determine the role of this variant in disease. Therefore, it has been classified as a Variant of Uncertain Significance.

NM_004859.4(CLTC):c.2266C>T (p.Pro756Ser)

Gene: CLTC (clathrin heavy chain; plus strand). Cytogenetic location: 17q23.1.
Variant type: single nucleotide variant.
Coding change: c.2266C>T on transcript NM_004859.4 (MANE Select); coding-DNA position 2266, C replaced by T.
Protein change: p.Pro756Ser; replaces proline 756 with serine.
Molecular consequence: missense variant.
Genome position (GRCh38, 1-based): chr17:59,668,914, C>T. VCF-style: chr17-59668914-C-T. GRCh37 (hg19) VCF-style: chr17-57746275-C-T.
Other names: c.2278C>T, p.Pro760Ser (NM_001288653.2); short protein forms P756S, P760S.
Identifiers: ClinVar variation 1464916 (VCV001464916.6), dbSNP rs749424905, ClinGen allele CA400413893.